The following is an entry in ClinVar:

ClinVar aggregate classification (germline): Uncertain significance (1 of 4 stars; one submission).

Submission:

Labcorp Genetics (formerly Invitae), Labcorp
Classification: Uncertain significance. Last evaluated: 2023-03-14. Review status: criteria provided, single submitter. Criteria: Invitae Variant Classification Sherloc (09022015). Collection method: clinical testing. Allele origin: germline.
Comment: This variant has not been reported in the literature in individuals affected with SCN3A-related conditions. In summary, the available evidence is currently insufficient to determine the role of this variant in disease. Therefore, it has been classified as a Variant of Uncertain Significance. Algorithms developed to predict the effect of sequence changes on RNA splicing suggest that this variant may create or strengthen a splice site. This variant is not present in population databases (gnomAD no frequency). This sequence change falls in intron 26 of the SCN3A gene. It does not directly change the encoded amino acid sequence of the SCN3A protein.

NM_006922.4(SCN3A):c.4536+10_4536+13del

Gene: SCN3A (sodium voltage-gated channel alpha subunit 3; minus strand). Cytogenetic location: 2q24.3.
Variant type: Deletion.
Coding change: c.4536+10_4536+13del on transcript NM_006922.4 (MANE Select); bases 10 to 13 of the intron after coding-DNA position 4536, 4 bases deleted (ACTT; older notation c.4536+10_4536+13delACTT).
Molecular consequence: intron variant.
Genome position (GRCh38, 1-based): chr2:165,094,361-165,094,364, AAGT deleted on the plus strand (ACTT on the coding strand, the reverse complement: SCN3A is on the minus strand); deleting any 4 consecutive bases within chr2:165,094,361-165,094,366 gives the same sequence; the c. name uses the placement nearest the transcript's 3' end. VCF-style (leftmost placement, unchanged base first): chr2-165094360-CAAGT-C. GRCh37 (hg19) VCF-style: chr2-165950870-CAAGT-C.
Other names: c.4389+10_4389+13del (NM_001081676.2, NM_001081677.2).
Identifiers: ClinVar variation 2845722 (VCV002845722.3), dbSNP rs2468054722, ClinGen allele CA2739271455.